The following is an entry in ClinVar:

ClinVar aggregate classification (germline): Uncertain significance (1 of 4 stars; one submission).

Conditions:
Pfeiffer syndrome (ACS5). Also called: ACS V. Identifiers: Orphanet 710, MedGen C0220658, MONDO:0007043, OMIM 101600.
Hypogonadotropic hypogonadism 2 with or without anosmia (HH2). Also called: HYPOGONADOTROPIC HYPOGONADISM 2 WITHOUT ANOSMIA; HYPOGONADOTROPIC HYPOGONADISM 2 WITH OR WITHOUT ANOSMIA, SUSCEPTIBILITY TO; HYPOGONADOTROPIC HYPOGONADISM 2 WITHOUT ANOSMIA, SUSCEPTIBILITY TO; FGFR1-Related GnRH Deficiency (Kallmann Syndrome 2). Identifiers: Orphanet 478, MedGen C1563720, MONDO:0007844, OMIM 147950. Disease mechanism: loss of function.

Allele frequency attached by ClinVar (database versions not stated): TOPMed below 0.00001; ExAC 0.00001; gnomAD 0.00001; gnomAD exomes 0.00002.
gnomAD v4.1: 31 of 1,613,654 alleles (0.0019%); highest among the groups gnomAD compares: Non-Finnish European, 0.0025%; no homozygotes.

Submission:

Labcorp Genetics (formerly Invitae), Labcorp
Classification: Uncertain significance for Pfeiffer syndrome; Hypogonadotropic hypogonadism 2 with or without anosmia. Last evaluated: 2023-03-16. Review status: criteria provided, single submitter. Criteria: Invitae Variant Classification Sherloc (09022015). Collection method: clinical testing. Allele origin: germline.
Comment: In summary, the available evidence is currently insufficient to determine the role of this variant in disease. Therefore, it has been classified as a Variant of Uncertain Significance. Advanced modeling of protein sequence and biophysical properties (such as structural, functional, and spatial information, amino acid conservation, physicochemical variation, residue mobility, and thermodynamic stability) has been performed at Invitae for this missense variant, however the output from this modeling did not meet the statistical confidence thresholds required to predict the impact of this variant on FGFR1 protein function. This variant has not been reported in the literature in individuals affected with FGFR1-related conditions. This variant is present in population databases (rs747480026, gnomAD 0.003%). This sequence change replaces proline, which is neutral and non-polar, with leucine, which is neutral and non-polar, at codon 47 of the FGFR1 protein (p.Pro47Leu).

NM_023110.3(FGFR1):c.140C>T (p.Pro47Leu)

Gene: FGFR1 (fibroblast growth factor receptor 1; minus strand). Cytogenetic location: 8p11.23.
Variant type: single nucleotide variant.
Coding change: c.140C>T on transcript NM_023110.3 (MANE Select); coding-DNA position 140, C replaced by T.
Protein change: p.Pro47Leu; replaces proline 47 with leucine.
Molecular consequence: missense variant. On other transcripts: intron variant (5).
Genome position (GRCh38, 1-based): chr8:38,429,900, G>A on the plus strand (C>T on the coding strand, the complement: FGFR1 is on the minus strand). VCF-style: chr8-38429900-G-A. GRCh37 (hg19) VCF-style: chr8-38287418-G-A.
Other names: c.140C>T, p.Pro47Leu (NM_000604.2, NM_001174063.2, NM_001174065.2 and 4 more transcripts); c.116C>T, p.Pro39Leu (NM_001174064.2); c.239C>T, p.Pro80Leu (NM_001174067.2); c.92-1465C>T (NM_001354368.2, NM_001354370.2, NM_023106.3 and 2 more transcripts); short protein forms P39L, P47L, P80L.
Identifiers: ClinVar variation 2934115 (VCV002934115.3), dbSNP rs747480026, ClinGen allele CA4718873.
Genomic context (GRCh38, chr8:38,429,900, plus strand): 5'-AGCCAGTTGATGCTCTGCACATCGTCCCGCAGCCGACAGCGAAGCTGCAGCAGGTCACCG[G>A]GGTGGACCAGGAAGGACTCCACTTCCACAGGGGCTCCCCAGGGCTGGGCTGCAGCCACCA-3'
Protein context (NP_075598.2, residues 37-57): PVEVESFLVH[Pro47Leu]GDLLQLRCRL